The following is an entry in ClinVar:

NM_006767.4(LZTR1):c.2281A>T (p.Lys761Ter)

Gene: LZTR1 (leucine zipper like post translational regulator 1; plus strand). Cytogenetic location: 22q11.21.
Variant type: single nucleotide variant.
Coding change: c.2281A>T on transcript NM_006767.4 (MANE Select); coding-DNA position 2281, A replaced by T.
Protein change: p.Lys761Ter; replaces lysine 761 with a stop codon.
Molecular consequence: nonsense.
Genome position (GRCh38, 1-based): chr22:20,996,757, A>T. VCF-style: chr22-20996757-A-T. GRCh37 (hg19) VCF-style: chr22-21351046-A-T.
Other names: short protein forms K761*.
Identifiers: ClinVar variation 1454715 (VCV001454715.6), dbSNP rs2147970361, ClinGen allele CA410780852.

ClinVar aggregate classification (germline): Pathogenic (1 of 4 stars; one submission).

gnomAD v4.1: 1 of 1,613,516 alleles (0.000062%); highest among the groups gnomAD compares: Non-Finnish European, 0.000085%; no homozygotes.

Submission:

Labcorp Genetics (formerly Invitae), Labcorp
Classification: Pathogenic. Last evaluated: 2021-04-11. Review status: criteria provided, single submitter. Criteria: Invitae Variant Classification Sherloc (09022015). Collection method: clinical testing. Allele origin: germline.
Comment: For these reasons, this variant has been classified as Pathogenic. This variant has not been reported in the literature in individuals with LZTR1-related conditions. This variant is not present in population databases (ExAC no frequency). This sequence change creates a premature translational stop signal (p.Lys761*) in the LZTR1 gene. It is expected to result in an absent or disrupted protein product. Loss-of-function variants in LZTR1 are known to be pathogenic (PMID: 24362817, 25335493, 25480913, 29469822, 30442762, 30859559).

Literature cited by the submitters: PubMed 24362817; PubMed 25335493; PubMed 25480913; PubMed 29469822; PubMed 30442762; PubMed 30859559.